The following is an entry in ClinVar:

NM_000053.4(ATP7B):c.2192T>G (p.Val731Gly)

Gene: ATP7B (ATPase copper transporting beta; minus strand). Cytogenetic location: 13q14.3.
Variant type: single nucleotide variant.
Coding change: c.2192T>G on transcript NM_000053.4 (MANE Select); coding-DNA position 2192, T replaced by G.
Protein change: p.Val731Gly; replaces valine 731 with glycine.
Molecular consequence: missense variant. On other transcripts: intron variant (20).
Genome position (GRCh38, 1-based): chr13:51,958,474, A>C on the plus strand (T>G on the coding strand, the complement: ATP7B is on the minus strand). VCF-style: chr13-51958474-A-C. GRCh37 (hg19) VCF-style: chr13-52532610-A-C.
Other names: c.2192T>G, p.Val731Gly (NM_001406519.1, NM_001406523.1, NM_001406525.1 and 7 more transcripts); c.1940T>G, p.Val647Gly (NM_001406531.1, NM_001406532.1, NM_001406540.1 and 1 more transcripts); c.1763T>G, p.Val588Gly (NM_001406539.1); c.1844T>G, p.Val615Gly (NM_001406543.1); c.1870-867T>G (NM_001406541.1, NM_001005918.3, NM_001406546.1 and 1 more transcripts); c.2122-867T>G (NM_001406527.1, NM_001406528.1, NM_001406534.1 and 2 more transcripts); c.2122-74T>G (NM_001406537.1, NM_001406521.1, NM_001406522.1 and 1 more transcripts); c.1286-8313T>G (NM_001406548.1); and 8 more; short protein forms V588G, V615G, V620G, V647G, V699G, V720G, V731G.
Identifiers: ClinVar variation 3385421 (VCV003385421.1).

ClinVar aggregate classification (germline): Uncertain significance (1 of 4 stars; one submission).

Conditions:
Wilson disease (WND). Also called: Wilson's disease. Identifiers: Orphanet 905, MedGen C0019202, MONDO:0010200, OMIM 277900. Disease mechanism: loss of function.

Submission:

All of Us Research Program, National Institutes of Health
Classification: Uncertain significance for Wilson disease. Last evaluated: 2024-05-17. Review status: criteria provided, single submitter. Criteria: ACMG Guidelines, 2015. Collection method: clinical testing. Allele origin: germline. Inheritance: Autosomal recessive inheritance. Observed: 1 variant allele, 1 heterozygote.
Comment: This study involves interpretation of variants in research participants for the purpose of population health screening. Participant phenotype was not available at the time of variant classification. Additional details can be found in publication PMID: 35346344, PMCID: PMC8962531